The following is an entry in ClinVar:

NM_000545.8(HNF1A):c.760C>A (p.Leu254Met)

Gene: HNF1A (HNF1 homeobox A; plus strand). Cytogenetic location: 12q24.31.
Variant type: single nucleotide variant.
Coding change: c.760C>A on transcript NM_000545.8 (MANE Select); coding-DNA position 760, C replaced by A.
Protein change: p.Leu254Met; replaces leucine 254 with methionine.
Molecular consequence: missense variant.
Genome position (GRCh38, 1-based): chr12:120,994,210, C>A. VCF-style: chr12-120994210-C-A. GRCh37 (hg19) VCF-style: chr12-121432013-C-A.
Other names: NM_001306179.2:c.760C>A; c.760C>A, p.Leu254Met (NM_001306179.2); short protein forms L254M.
Identifiers: ClinVar variation 1334147 (VCV001334147.5), dbSNP rs2135841451, ClinGen allele CA386965972.

ClinVar aggregate classification (germline): Uncertain significance (3 of 4 stars; one submission).

Conditions:
Monogenic diabetes. Identifiers: Orphanet 183625, MedGen C3888631, MONDO:0015967.

Submission:

ClinGen Monogenic Diabetes Variant Curation Expert Panel
Classification: Uncertain significance for Monogenic diabetes. Last evaluated: 2025-11-26. Review status: reviewed by expert panel. Criteria: ClinGen Diabetes ACMG Specifications HNF1A V3.1.0. Collection method: curation. Allele origin: germline. Inheritance: Autosomal dominant inheritance.
Comment: The c.760C>A variant in the HNF1 homeobox A gene, HNF1A, causes an amino acid change of Leucine to Methionine at codon 254 (p.(Leu254Met)) of NM_000545.8. This variant is located within a conserved region of the DNA binding domain (codons 107-174 and 201-280) of HNF1A, which is defined as critical for the protein’s function by the ClinGen MDEP (PM1_Supporting). Additionally, this variant is absent from gnomAD v4.1.0 (PM2_Supporting). This variant is predicted to be deleterious by computational evidence, with a REVEL score of 0.799, which is greater than the MDEP VCEP threshold of 0.70 (PP3). This variant was identified in two unrelated individuals with non-autoimmune and non-absolute/near-absolute insulin-deficient diabetes; however, PS4_Moderate cannot be applied because this number is below the ClinGen MDEP threshold (PMIDs: 11942313, 9287055). Another missense variant, c.761T>A p.Leu254Gln, has been classified as VUS by the ClinGen MDEP; therefore, PM5 will not be applied. In summary, c.760C>A meets the criteria to be classified as variant of unknown significance for monogenic diabetes. ACMG/AMP criteria applied, as specified by the ClinGen MDEP (specification version 3.1.0 approved 10/10/2025): PM2_Supporting, PM1_Supporting, PP3.

Literature cited by the submitters: PubMed 11942313; PubMed 9287055.